The following is an entry in ClinVar:

NM_014585.6(SLC40A1):c.652G>A (p.Val218Met)

Gene: SLC40A1 (solute carrier family 40 member 1; minus strand). Cytogenetic location: 2q32.2.
Variant type: single nucleotide variant.
Coding change: c.652G>A on transcript NM_014585.6 (MANE Select); coding-DNA position 652, G replaced by A.
Protein change: p.Val218Met; replaces valine 218 with methionine.
Molecular consequence: missense variant.
Genome position (GRCh38, 1-based): chr2:189,565,462, C>T on the plus strand (G>A on the coding strand, the complement: SLC40A1 is on the minus strand). VCF-style: chr2-189565462-C-T. GRCh37 (hg19) VCF-style: chr2-190430188-C-T.
Other names: short protein forms V218M.
Identifiers: ClinVar variation 2535420 (VCV002535420.6), dbSNP rs199683014, ClinGen allele CA2024185.

ClinVar aggregate classification (germline): Conflicting classifications of pathogenicity. Review status: criteria provided, conflicting classifications (1 of 4 stars). 3 submissions from 3 submitters: Uncertain significance (1); Likely benign (2). Last evaluated 2025-12-22.

Conditions:
Hemochromatosis type 4 (HFE4). Also called: HEMOCHROMATOSIS DUE TO DEFECT IN FERROPORTIN; HEMOCHROMATOSIS, AUTOSOMAL DOMINANT; Ferroportin disease. Identifiers: Orphanet 139491, Orphanet 647834, Orphanet 648562, MedGen C1853733, MONDO:0011631, OMIM 606069.
SLC40A1-related disorder. Also called: SLC40A1-related condition.
Inborn genetic diseases. Identifiers: MedGen C0950123, MeSH D030342.

Allele frequency attached by ClinVar (database versions not stated): gnomAD exomes 0.00001; ExAC 0.00002; TOPMed 0.00011; gnomAD 0.00015; 1000 Genomes Project 0.00020; 1000 Genomes Project 30x 0.00031.

Submissions (3):

Labcorp Genetics (formerly Invitae), Labcorp
Classification: Likely benign for Hemochromatosis type 4. Last evaluated: 2025-12-22. Review status: criteria provided, single submitter. Criteria: Invitae Variant Classification Sherloc (09022015). Collection method: clinical testing. Allele origin: germline.

PreventionGenetics, part of Exact Sciences
Classification: Likely benign for SLC40A1-related condition. Last evaluated: 2025-08-04. Review status: criteria provided, single submitter. Criteria: ACMG Guidelines, 2015. Collection method: clinical testing. Allele origin: germline.
Comment: This variant is classified as likely benign based on ACMG/AMP sequence variant interpretation guidelines (Richards et al. 2015 PMID: 25741868, with internal and published modifications).

Ambry Genetics
Classification: Uncertain significance for Inborn genetic diseases. Last evaluated: 2023-04-07. Review status: criteria provided, single submitter. Criteria: Ambry Variant Classification Scheme 2023. Collection method: clinical testing. Allele origin: germline.